The following is an entry in ClinVar:

ClinVar aggregate classification (germline): Uncertain significance (1 of 4 stars; one submission).

Conditions:
Congenital myasthenic syndrome 9. Also called: Myasthenic syndrome, congenital, 9, associated with acetylcholine receptor deficiency. Identifiers: Orphanet 590, MedGen C4225368, MONDO:0014587, OMIM 616325.
Fetal akinesia deformation sequence 1 (FADS1). Also called: Fetal akinesia sequence; Pena-Shokeir syndrome type I. Identifiers: Orphanet 994, MedGen C1276035, MONDO:0100101, OMIM 208150, HP:0001989.

gnomAD v4.1: 2 of 1,607,564 alleles (0.00012%); highest among the groups gnomAD compares: East Asian, 0.0045%; no homozygotes.

Submission:

Juno Genomics, Hangzhou Juno Genomics, Inc
Classification: Uncertain significance for Fetal akinesia deformation sequence 1; Congenital myasthenic syndrome 9. Review status: criteria provided, single submitter. Criteria: ACMG Guidelines, 2015. Collection method: clinical testing. Allele origin: germline.
Comment: Absent from controls (or at extremely low frequency if recessive) in Genome Aggregation Database.;Multiple lines of computational evidence support a deleterious effect on the gene or gene product.

NM_005592.4(MUSK):c.1360G>C (p.Asp454His)

Gene: MUSK (muscle associated receptor tyrosine kinase; plus strand). Cytogenetic location: 9q31.3.
Variant type: single nucleotide variant.
Coding change: c.1360G>C on transcript NM_005592.4 (MANE Select); coding-DNA position 1360, G replaced by C.
Protein change: p.Asp454His; replaces aspartic acid 454 with histidine.
Molecular consequence: missense variant.
Genome position (GRCh38, 1-based): chr9:110,775,963, G>C. VCF-style: chr9-110775963-G-C. GRCh37 (hg19) VCF-style: chr9-113538243-G-C.
Other names: c.1126G>C, p.Ala376Pro (NM_001166280.2); c.1096G>C, p.Ala366Pro (NM_001166281.2); c.124G>C, p.Ala42Pro (NM_001369398.1); short protein forms A366P, A376P, D454H, A42P.
Identifiers: ClinVar variation 5007374 (VCV005007374.2).
Genomic context (GRCh38, chr9:110,775,963, plus strand): 5'-TGCAGCAAGCTTCCCAGCATGCATTGGGACCCCACGGCCTGTGCCAGACTGCCACATCTA[G>C]GTAACACAGAGTTCTCCCAAGACTTTGGAGGTTAAGAGAAATTTACTATTTTGAAGAAAC-3'
Protein context (NP_005583.1, residues 444-464): PTACARLPHL[Asp454His]YNKENLKTFP